The following is an entry in ClinVar:

NM_001184880.2(PCDH19):c.53_119del (p.Gln18fs)

Gene: PCDH19 (protocadherin 19; minus strand). Cytogenetic location: Xq22.1.
Variant type: Deletion.
Coding change: c.53_119del on transcript NM_001184880.2 (MANE Select); coding-DNA positions 53 to 119, 67 bases deleted.
Protein change: p.Gln18fs; shifts the reading frame from glutamine 18.
Molecular consequence: frameshift variant.
Genome position (GRCh38, 1-based): chrX:100,408,479-100,408,545, 67 bases deleted. GRCh37 (hg19): chrX:99,663,479-99,663,545.
Other names: c.53_119del, p.Gln18fs (NM_001105243.2, NM_020766.3); short protein forms Q18fs.
Identifiers: ClinVar variation 4723831 (VCV004723831.1).

ClinVar aggregate classification (germline): Pathogenic (1 of 4 stars; one submission).

Conditions:
Developmental and epileptic encephalopathy, 9 (DEE9). Also called: Early infantile epileptic encephalopathy 9; JUBERG-HELLMAN SYNDROME; PCDH19-Related X-Linked Female-Limited Epilepsy with Mental Retardation; EPILEPSY, FEMALE-RESTRICTED, WITH MENTAL RETARDATION. Identifiers: Orphanet 101039, Orphanet 2076, MedGen C1848137, MONDO:0010246, OMIM 300088. Disease mechanism: loss of function.

Submission:

Labcorp Genetics (formerly Invitae), Labcorp
Classification: Pathogenic for Developmental and epileptic encephalopathy, 9. Last evaluated: 2025-07-23. Review status: criteria provided, single submitter. Criteria: Invitae Variant Classification Sherloc (09022015). Collection method: clinical testing. Allele origin: germline.
Comment: This sequence change creates a premature translational stop signal (p.Gln18Profs*32) in the PCDH19 gene. It is expected to result in an absent or disrupted protein product. Loss-of-function variants in PCDH19 are known to be pathogenic (PMID: 21053371). This variant is not present in population databases (gnomAD no frequency). This variant has not been reported in the literature in individuals affected with PCDH19-related conditions. For these reasons, this variant has been classified as Pathogenic.

Literature cited by the submitters: PubMed 21053371.